The following is an entry in ClinVar:

NM_032043.3(BRIP1):c.2867C>G (p.Ser956Ter)

Gene: BRIP1 (BRCA1 interacting DNA helicase 1; minus strand). Cytogenetic location: 17q23.2.
Variant type: single nucleotide variant.
Coding change: c.2867C>G on transcript NM_032043.3 (MANE Select); coding-DNA position 2867, C replaced by G.
Protein change: p.Ser956Ter; replaces serine 956 with a stop codon.
Molecular consequence: nonsense.
Genome position (GRCh38, 1-based): chr17:61,685,874, G>C on the plus strand (C>G on the coding strand, the complement: BRIP1 is on the minus strand). VCF-style: chr17-61685874-G-C. GRCh37 (hg19) VCF-style: chr17-59763235-G-C.
Other names: short protein forms S956*.
Identifiers: ClinVar variation 487434 (VCV000487434.10), dbSNP rs761639530, ClinGen allele CA8690445.
Genomic context (GRCh38, chr17:61,685,874, plus strand): 5'-AAATGGGAAGAACTTTTCATACTTTTCTCCTTTCTGGAGATAATGCTACTTGGTAGAGGT[G>C]AATTTTTGGTAATAATTTTAGGACACTGTAGTTCCTGGACACATATCTTTGCTTCATCTT-3'

ClinVar aggregate classification (germline): Pathogenic. Review status: criteria provided, single submitter (1 of 4 stars). 2 submissions from 2 submitters: Pathogenic (1). 1 of the submissions does not count toward it. Last evaluated 2022-12-22.

Conditions:
Fanconi anemia complementation group J. Also called: BRIP1-Related Fanconi Anemia. Identifiers: Orphanet 84, MedGen C1836860, MONDO:0012187, OMIM 609054.
Ovarian cancer. Also called: OVARIAN CANCER, SOMATIC. Identifiers: Orphanet 213500, MedGen C1140680, MONDO:0008170, OMIM 167000.
Familial cancer of breast. Also called: BREAST CANCER, FAMILIAL; hereditary breast carcinoma; Hereditary breast cancer. Identifiers: Orphanet 227535, MedGen C0346153, MONDO:0016419, OMIM 114480. Disease mechanism: loss of function.

Allele frequency attached by ClinVar (database versions not stated): gnomAD exomes below 0.00001; ExAC 0.00001.

Submissions (2):

Labcorp Genetics (formerly Invitae), Labcorp
Classification: Pathogenic for Familial cancer of breast; Fanconi anemia complementation group J. Last evaluated: 2022-12-22. Review status: criteria provided, single submitter. Criteria: Invitae Variant Classification Sherloc (09022015). Collection method: clinical testing. Allele origin: germline.
Comment: ClinVar contains an entry for this variant (Variation ID: 487434). This variant disrupts a region of the BRIP1 protein in which other variant(s) (p.Lys998Glufs*60) have been determined to be pathogenic (PMID: 18628483, 26921362, 28423363). This suggests that this is a clinically significant region of the protein, and that variants that disrupt it are likely to be disease-causing. For these reasons, this variant has been classified as Pathogenic. This variant has not been reported in the literature in individuals affected with BRIP1-related conditions. This sequence change creates a premature translational stop signal (p.Ser956*) in the BRIP1 gene. While this is not anticipated to result in nonsense mediated decay, it is expected to disrupt the last 294 amino acid(s) of the BRIP1 protein. This variant is present in population databases (rs761639530, gnomAD 0.003%).

Counsyl
Classification: Likely pathogenic for Fanconi anemia complementation group J; Ovarian cancer. Last evaluated: 2017-04-20. Review status: no assertion criteria provided. Collection method: clinical testing. Allele origin: unknown. Not counted in ClinVar's aggregate classification.

Literature cited by the submitters: PubMed 18628483 (cited by Labcorp Genetics (formerly Invitae), Labcorp); PubMed 26921362 (cited by Labcorp Genetics (formerly Invitae), Labcorp); PubMed 28423363 (cited by Labcorp Genetics (formerly Invitae), Labcorp).